The following is an entry in ClinVar:

NM_006164.5(NFE2L2):c.431T>C (p.Val144Ala)

Gene: NFE2L2 (NFE2 like bZIP transcription factor 2; minus strand). Cytogenetic location: 2q31.2.
Variant type: single nucleotide variant.
Coding change: c.431T>C on transcript NM_006164.5 (MANE Select); coding-DNA position 431, T replaced by C.
Protein change: p.Val144Ala; replaces valine 144 with alanine.
Molecular consequence: missense variant.
Genome position (GRCh38, 1-based): chr2:177,232,555, A>G on the plus strand (T>C on the coding strand, the complement: NFE2L2 is on the minus strand). VCF-style: chr2-177232555-A-G. GRCh37 (hg19) VCF-style: chr2-178097283-A-G.
Other names: c.362T>C, p.Val121Ala (NM_001145413.3); c.383T>C, p.Val128Ala (NM_001313900.1, NM_001313901.1, NM_001145412.3); c.341T>C, p.Val114Ala (NM_001313902.2); c.212T>C, p.Val71Ala (NM_001313903.2); c.131T>C, p.Val44Ala (NM_001313904.1); c.431T>C (NM_006164.3, NM_006164.4); short protein forms V114A, V71A, V121A, V128A, V144A, V44A.
Identifiers: ClinVar variation 2873878 (VCV002873878.5), dbSNP rs374971431, ClinGen allele CA1979862.
Genomic context (GRCh38, chr2:177,232,555, plus strand): 5'-GACTGAGCCTGATTAGTAGCAATGAAGACTGGGCTCTCGATGTGACCGGGAATATCAGGA[A>G]CAAGTGACTGAAACGTAGCCGAAGAAACCTAAAATTGATAAGGCATTGATTTATGAGTCT-3'
Protein context (NP_006155.2, residues 134-154): EVSSATFQSL[Val144Ala]PDIPGHIESP

ClinVar aggregate classification (germline): Uncertain significance. Review status: criteria provided, multiple submitters, no conflicts (2 of 4 stars). 3 submissions from 3 submitters: Uncertain significance (3). Last evaluated 2026-07-24.

Conditions:
NFE2L2-related disorder. Also called: NFE2L2-related condition.

Allele frequency attached by ClinVar (database versions not stated): ExAC 0.00001; TOPMed 0.00002; gnomAD 0.00003; ESP Exome Variant Server 0.00008; gnomAD exomes 0.00008.
gnomAD v4.1: 120 of 1,613,960 alleles (0.0074%); highest among the groups gnomAD compares: Non-Finnish European, 0.0099%; no homozygotes.

Submissions (3):

PreventionGenetics, part of Exact Sciences
Classification: Uncertain significance for NFE2L2-related condition. Last evaluated: 2026-07-24. Review status: criteria provided, single submitter. Criteria: ACMG Guidelines, 2015. Collection method: clinical testing. Allele origin: germline.
Comment: The NFE2L2 c.431T>C variant is predicted to result in the amino acid substitution p.Val144Ala. To our knowledge, this variant has not been reported in the literature. This variant is reported in 0.0054% of alleles in individuals of European (Non-Finnish) descent in gnomAD. At this time, the clinical significance of this variant is uncertain due to the absence of conclusive functional and genetic evidence.

Labcorp Genetics (formerly Invitae), Labcorp
Classification: Uncertain significance. Last evaluated: 2026-01-26. Review status: criteria provided, single submitter. Criteria: Invitae Variant Classification Sherloc (09022015). Collection method: clinical testing. Allele origin: germline.
Comment: This sequence change replaces valine, which is neutral and non-polar, with alanine, which is neutral and non-polar, at codon 144 of the NFE2L2 protein (p.Val144Ala). This variant is present in population databases (rs374971431, gnomAD 0.006%). This variant has not been reported in the literature in individuals affected with NFE2L2-related conditions. ClinVar contains an entry for this variant (Variation ID: 2873878). Invitae Evidence Modeling of protein sequence and biophysical properties (such as structural, functional, and spatial information, amino acid conservation, physicochemical variation, residue mobility, and thermodynamic stability) indicates that this missense variant is not expected to disrupt NFE2L2 protein function with a negative predictive value of 80%. In summary, the available evidence is currently insufficient to determine the role of this variant in disease. Therefore, it has been classified as a Variant of Uncertain Significance.

Ambry Genetics
Classification: Uncertain significance. Last evaluated: 2025-08-09. Review status: criteria provided, single submitter. Criteria: Ambry Variant Classification Scheme 2023. Collection method: clinical testing. Allele origin: germline.